The following is an entry in ClinVar:

ClinVar aggregate classification (germline): Pathogenic (1 of 4 stars; one submission).

Conditions:
Developmental and epileptic encephalopathy, 1 (DEE1). Also called: INFANTILE SPASM SYNDROME, X-LINKED 1; X-linked infantile spasms; West's syndrome; Tonic spasms with clustering, arrest of psychomotor development and hypsarrhythmia on EEG; X-Linked Infantile Spasm Syndrome; OHTAHARA SYNDROME, X-LINKED. Identifiers: MedGen C3463992, MONDO:0010632, OMIM 308350. Disease mechanism: loss of function.
Intellectual disability, X-linked, with or without seizures, ARX-related. Also called: MENTAL RETARDATION, X-LINKED 29; MENTAL RETARDATION, X-LINKED 32; MENTAL RETARDATION, X-LINKED 33; MENTAL RETARDATION, X-LINKED 38; MENTAL RETARDATION, X-LINKED 43; MENTAL RETARDATION, X-LINKED 76. Identifiers: Orphanet 777, MedGen C0796244, MONDO:0010317, OMIM 300419.

Submission:

Labcorp Genetics (formerly Invitae), Labcorp
Classification: Pathogenic for Developmental and epileptic encephalopathy, 1; Intellectual disability, X-linked, with or without seizures, ARX-related. Last evaluated: 2020-11-04. Review status: criteria provided, single submitter. Criteria: Invitae Variant Classification Sherloc (09022015). Collection method: clinical testing. Allele origin: germline.
Comment: For these reasons, this variant has been classified as Pathogenic. This variant has not been reported in the literature in individuals with ARX-related conditions. The frequency data for this variant in the population databases is considered unreliable, as metrics indicate insufficient coverage at this position in the ExAC database. This sequence change creates a premature translational stop signal (p.Trp375*) in the ARX gene. It is expected to result in an absent or disrupted protein product. Loss-of-function variants in ARX are known to be pathogenic (PMID: 19439424, 19738637).

Literature cited by the submitters: PubMed 19439424; PubMed 19738637.

NM_139058.3(ARX):c.1125G>A (p.Trp375Ter)

Gene: ARX (aristaless related homeobox; minus strand). Cytogenetic location: Xp21.3.
Variant type: single nucleotide variant.
Coding change: c.1125G>A on transcript NM_139058.3 (MANE Select); coding-DNA position 1125, G replaced by A.
Protein change: p.Trp375Ter; replaces tryptophan 375 with a stop codon.
Molecular consequence: nonsense.
Genome position (GRCh38, 1-based): chrX:25,007,434, C>T on the plus strand (G>A on the coding strand, the complement: ARX is on the minus strand). VCF-style: chrX-25007434-C-T. GRCh37 (hg19) VCF-style: chrX-25025551-C-T.
Other names: short protein forms W375*.
Identifiers: ClinVar variation 1374869 (VCV001374869.6), dbSNP rs2147320638, ClinGen allele CA412611682.
Genomic context (GRCh38, chrX:25,007,434, plus strand): 5'-GGGGTGGGTCTGCGCGCCTGCCTTCTCCCGCTTGCGCCACTTGGCCCGACGGTTCTGGAA[C>T]CAGACCTGCAAGGCAGAGAGAGCCCAGGGTCGGCGCGGCTCGGCCCGGCGGGCGCACCGG-3'